The following is an entry in ClinVar:

NM_004656.4(BAP1):c.1276C>T (p.Pro426Ser)

Gene: BAP1 (BRCA1 associated deubiquitinase 1; minus strand). Cytogenetic location: 3p21.1.
Variant type: single nucleotide variant.
Coding change: c.1276C>T on transcript NM_004656.4 (MANE Select); coding-DNA position 1276, C replaced by T.
Protein change: p.Pro426Ser; replaces proline 426 with serine.
Molecular consequence: missense variant.
Genome position (GRCh38, 1-based): chr3:52,403,869, G>A on the plus strand (C>T on the coding strand, the complement: BAP1 is on the minus strand). VCF-style: chr3-52403869-G-A. GRCh37 (hg19) VCF-style: chr3-52437885-G-A.
Other names: short protein forms P426S.
Identifiers: ClinVar variation 629902 (VCV000629902.8), dbSNP rs771326820, ClinGen allele CA2436836.
Genomic context (GRCh38, chr3:52,403,869, plus strand): 5'-TGATGGTGTTGGGCTGCAGCACTGACAGTTGCCCATCAGCAGAACCGCTCAATGCCCCTG[G>A]CTTCCCTGTTCCCTTCCCCTTATACCTGTGGGGCCCGAGAAGATGTGAAGCAAGGGAACG-3'
Protein context (NP_004647.1, residues 416-436): LRYKGKGTGK[Pro426Ser]GALSGSADGQ

ClinVar aggregate classification (germline): Conflicting classifications of pathogenicity. Review status: criteria provided, conflicting classifications (1 of 4 stars). 2 submissions from 2 submitters: Uncertain significance (1); Likely benign (1). Last evaluated 2024-05-31.

Conditions:
Hereditary cancer-predisposing syndrome. Also called: Neoplastic Syndromes, Hereditary; Tumor predisposition; Hereditary neoplastic syndrome; Hereditary Cancer Syndrome. Identifiers: Orphanet 140162, MedGen C0027672, MeSH D009386, MONDO:0015356.

Allele frequency attached by ClinVar (database versions not stated): gnomAD exomes below 0.00001; ExAC 0.00001.

Submissions (2):

Ambry Genetics
Classification: Likely benign for Hereditary cancer-predisposing syndrome. Last evaluated: 2024-05-31. Review status: criteria provided, single submitter. Criteria: Ambry Variant Classification Scheme 2023. Collection method: clinical testing. Allele origin: germline.

Color Diagnostics, LLC DBA Color Health
Classification: Uncertain significance for Hereditary cancer-predisposing syndrome. Last evaluated: 2024-03-06. Review status: criteria provided, single submitter. Criteria: ACMG Guidelines, 2015. Collection method: clinical testing. Allele origin: germline.
Comment: This missense variant replaces proline with serine at codon 426 of the BAP1 protein. Computational prediction suggests that this variant may not impact protein structure and function (internally defined REVEL score threshold <= 0.5, PMID: 27666373). To our knowledge, functional studies have not been reported for this variant. This variant has not been reported in individuals affected with hereditary cancer in the literature. This variant has been identified in 1/251362 chromosomes in the general population by the Genome Aggregation Database (gnomAD). The available evidence is insufficient to determine the role of this variant in disease conclusively. Therefore, this variant is classified as a Variant of Uncertain Significance.